The following is an entry in ClinVar:

NM_020937.4(FANCM):c.4934G>C (p.Arg1645Pro)

Gene: FANCM (FA complementation group M; plus strand). Cytogenetic location: 14q21.2.
Variant type: single nucleotide variant.
Coding change: c.4934G>C on transcript NM_020937.4 (MANE Select); coding-DNA position 4934, G replaced by C.
Protein change: p.Arg1645Pro; replaces arginine 1645 with proline.
Molecular consequence: missense variant.
Genome position (GRCh38, 1-based): chr14:45,188,956, G>C. VCF-style: chr14-45188956-G-C. GRCh37 (hg19) VCF-style: chr14-45658159-G-C.
Other names: c.4856G>C, p.Arg1619Pro (NM_001308133.2); short protein forms R1645P, R1619P.
Identifiers: ClinVar variation 2816147 (VCV002816147.3), dbSNP rs377502779, ClinGen allele CA7169878.

ClinVar aggregate classification (germline): Uncertain significance (1 of 4 stars; one submission).

Conditions:
Fanconi anemia (FA). Also called: Fanconi's anemia. Identifiers: Orphanet 84, MedGen C0015625, MeSH D005199, MONDO:0019391.

gnomAD v4.1: 3 of 1,613,968 alleles (0.00019%); highest among the groups gnomAD compares: East Asian, 0.0022%; no homozygotes.

Submission:

Labcorp Genetics (formerly Invitae), Labcorp
Classification: Uncertain significance for Fanconi anemia. Last evaluated: 2022-11-23. Review status: criteria provided, single submitter. Criteria: Invitae Variant Classification Sherloc (09022015). Collection method: clinical testing. Allele origin: germline.
Comment: In summary, the available evidence is currently insufficient to determine the role of this variant in disease. Therefore, it has been classified as a Variant of Uncertain Significance. Algorithms developed to predict the effect of missense changes on protein structure and function are either unavailable or do not agree on the potential impact of this missense change (SIFT: "Deleterious"; PolyPhen-2: "Possibly Damaging"; Align-GVGD: "Class C0"). This variant has not been reported in the literature in individuals affected with FANCM-related conditions. This variant is present in population databases (rs377502779, gnomAD 0.006%). This sequence change replaces arginine, which is basic and polar, with proline, which is neutral and non-polar, at codon 1645 of the FANCM protein (p.Arg1645Pro).